The following is an entry in ClinVar:

ClinVar aggregate classification (germline): Likely pathogenic (1 of 4 stars; one submission).

Conditions:
Tubulinopathy. Also called: Tubulinopathies. Identifiers: MedGen CN850169, MONDO:0100153.

Submission:

Institute of Human Genetics, FAU Erlangen, Friedrich-Alexander-Universität Erlangen-Nürnberg
Classification: Likely pathogenic for Tubulinopathies. Last evaluated: 2018-07-01. Review status: criteria provided, single submitter. Criteria: ACMG Guidelines, 2015. Collection method: literature only. Allele origin: unknown. Affected: yes. Observed: 1 variant allele.
Comment: The c.410T>A, p.(Val137Asp) variant has been reported as a variant of unknown origin. This variant and associated phenotype was previously reported by Kumar et al. Hum Mol Genet, 2010 PMID: 20466733. Pachygyria (HP:0001302); Dysgenesis of the hippocampus (HP:0025101)

Literature cited by the submitters: PubMed 30744660; DOI 10.1101/427948.

NM_006009.4(TUBA1A):c.410T>A (p.Val137Asp)

Gene: TUBA1A (tubulin alpha 1a; minus strand). Cytogenetic location: 12q13.12.
Variant type: single nucleotide variant.
Coding change: c.410T>A on transcript NM_006009.4 (MANE Select); coding-DNA position 410, T replaced by A.
Protein change: p.Val137Asp; replaces valine 137 with aspartic acid.
Molecular consequence: missense variant.
Genome position (GRCh38, 1-based): chr12:49,185,956, A>T on the plus strand (T>A on the coding strand, the complement: TUBA1A is on the minus strand). VCF-style: chr12-49185956-A-T. GRCh37 (hg19) VCF-style: chr12-49579739-A-T.
Other names: c.410T>A, p.Val137Asp (NM_001270399.2); c.305T>A, p.Val102Asp (NM_001270400.2); short protein forms V137D, V102D.
Identifiers: ClinVar variation 625498 (VCV000625498.1), dbSNP rs1565627364, ClinGen allele CA384642742.